The following is an entry in ClinVar:

ClinVar aggregate classification (germline): Likely pathogenic (1 of 4 stars; one submission).

Submission:

GeneDx
Classification: Likely pathogenic. Last evaluated: 2017-02-09. Review status: criteria provided, single submitter. Criteria: GeneDx Variant Classification (06012015). Collection method: clinical testing. Allele origin: germline. Affected: yes.
Comment: The I642K variant has not been published as a pathogenic variant, nor has it been reported as a benign variant to our knowledge. It is not observed in large population cohorts (Lek et al., 2016; 1000 Genomes Consortium et al., 2015; Exome Variant Server). The I642K variant is a non-conservative amino acid substitution, which is likely to impact secondary protein structure as these residues differ in polarity, charge, size and/or other properties. This substitution occurs at a conserved position in the protein kinase domain, and in silico analysis predicts this variant is probably damaging to the protein structure/function. Additionally, missense variants in nearby residues (K641R and A648T) have been reported in the Human Gene Mutation Database in association with FGFR2-related disorders (Stenson et al., 2014), supporting the functional importance of this region of the protein. Therefore, the I642K variant is likely pathogenic.

NM_000141.5(FGFR2):c.1925T>A (p.Ile642Lys)

Gene: FGFR2 (fibroblast growth factor receptor 2; minus strand). Cytogenetic location: 10q26.13.
Variant type: single nucleotide variant.
Coding change: c.1925T>A on transcript NM_000141.5 (MANE Select); coding-DNA position 1925, T replaced by A.
Protein change: p.Ile642Lys; replaces isoleucine 642 with lysine.
Molecular consequence: missense variant. On other transcripts: non-coding transcript variant (1).
Genome position (GRCh38, 1-based): chr10:121,488,052, A>T on the plus strand (T>A on the coding strand, the complement: FGFR2 is on the minus strand). VCF-style: chr10-121488052-A-T. GRCh37 (hg19) VCF-style: chr10-123247566-A-T.
Other names: c.1928T>A, p.Ile643Lys (NM_001144913.1, NM_022970.4); c.1589T>A, p.Ile530Lys (NM_001144914.1); c.1658T>A, p.Ile553Lys (NM_001144915.2, NM_023029.3); c.1580T>A, p.Ile527Lys (NM_001144916.2); c.1577T>A, p.Ile526Lys (NM_001144917.2); c.1574T>A, p.Ile525Lys (NM_001144918.2); c.1661T>A, p.Ile554Lys (NM_001144919.2); c.1241T>A, p.Ile414Lys (NM_001320654.2); and 1 more; short protein forms I642K, I643K, I525K, I526K, I414K, I527K, I530K, I554K.
Identifiers: ClinVar variation 423420 (VCV000423420.2), dbSNP rs1064796413, ClinGen allele CA16618938.
Genomic context (GRCh38, chr10:121,488,052, plus strand): 5'-TTGGTGGTCTTTTTGTAATAGTCTATATTGTTGATATCTCTGGCGAGTCCAAAGTCTGCT[A>T]TTTTCATCACATTGTTTTCTGTTACCAAAACATTTCTGGCTGCTAAATCTCGATGAATAC-3'
Protein context (NP_000132.3, residues 632-652): VLVTENNVMK[Ile642Lys]ADFGLARDIN